The following is an entry in ClinVar:

ClinVar aggregate classification (germline): Pathogenic. Review status: criteria provided, multiple submitters, no conflicts (2 of 4 stars). 2 submissions from 2 submitters: Pathogenic (2). Last evaluated 2021-10-01.

Conditions:
CHM-related disorders.

Submissions (2):

Blueprint Genetics
Classification: Pathogenic for CHM-related disorders. Last evaluated: 2021-10-01. Review status: criteria provided, single submitter. Criteria: ACMG Guidelines, 2015. Collection method: clinical testing. Allele origin: germline. Affected: yes. Observed: 3 variant alleles.

Labcorp Genetics (formerly Invitae), Labcorp
Classification: Pathogenic. Last evaluated: 2021-02-18. Review status: criteria provided, single submitter. Criteria: Invitae Variant Classification Sherloc (09022015). Collection method: clinical testing. Allele origin: germline.
Comment: For these reasons, this variant has been classified as Pathogenic. Studies have shown that disruption of this splice site is associated with exon 3 skipping, which introduces a frameshift (PMID: 12827496). The resulting mRNA is expected to undergo nonsense-mediated decay. This variant has been observed in individual(s) with choroideremia (PMID: 23811034, 30297895). ClinVar contains an entry for this variant (Variation ID: 866380). This variant is not present in population databases (ExAC no frequency). This sequence change affects a donor splice site in intron 3 of the CHM gene. RNA analysis indicates that this variant induces altered splicing and may result in an absent or disrupted protein product.

Literature cited by the submitters: PubMed 12827496 (cited by Labcorp Genetics (formerly Invitae), Labcorp); PubMed 23811034 (cited by Labcorp Genetics (formerly Invitae), Labcorp); PubMed 30297895 (cited by Labcorp Genetics (formerly Invitae), Labcorp).

NM_000390.4(CHM):c.189+1G>C

Gene: CHM (CHM Rab escort protein; minus strand). Cytogenetic location: Xq21.2.
Variant type: single nucleotide variant.
Coding change: c.189+1G>C on transcript NM_000390.4 (MANE Select); the canonical splice donor site of the intron after coding-DNA position 189, G replaced by C.
Molecular consequence: splice donor variant.
Genome position (GRCh38, 1-based): chrX:85,981,736, C>G on the plus strand (G>C on the coding strand, the complement: CHM is on the minus strand). VCF-style: chrX-85981736-C-G. GRCh37 (hg19) VCF-style: chrX-85236740-C-G.
Other names: c.-252+1G>C (NM_001362519.1, NM_001362518.2); c.-256+1G>C (NM_001362517.1, NM_001320959.1); c.189+1G>C (NM_001145414.4).
Identifiers: ClinVar variation 866380 (VCV000866380.11), dbSNP rs1931625021, ClinGen allele CA413788227.